The following is an entry in ClinVar:

ClinVar aggregate classification (germline): Likely pathogenic (1 of 4 stars; one submission).

Conditions:
Developmental and epileptic encephalopathy, 25 (DEE25). Also called: Developmental and epileptic encephalopathy 25, with amelogenesis imperfecta; Epileptic encephalopathy, early infantile, 25, with amelogenesis imperfecta; Epileptic encephalopathy, early infantile, 25. Identifiers: Orphanet 442835, MedGen C4014621, MONDO:0014392, OMIM 615905.

Submission:

Labcorp Genetics (formerly Invitae), Labcorp
Classification: Likely pathogenic for Developmental and epileptic encephalopathy, 25. Last evaluated: 2024-03-18. Review status: criteria provided, single submitter. Criteria: Invitae Variant Classification Sherloc (09022015). Collection method: clinical testing. Allele origin: germline.
Comment: This sequence change affects a donor splice site in intron 6 of the SLC13A5 gene. It is expected to disrupt RNA splicing. Variants that disrupt the donor or acceptor splice site typically lead to a loss of protein function (PMID: 16199547), and loss-of-function variants in SLC13A5 are known to be pathogenic (PMID: 24995870, 26384929). This variant is not present in population databases (gnomAD no frequency). This variant has not been reported in the literature in individuals affected with SLC13A5-related conditions. ClinVar contains an entry for this variant (Variation ID: 838825). Algorithms developed to predict the effect of sequence changes on RNA splicing suggest that this variant may disrupt the consensus splice site. In summary, the currently available evidence indicates that the variant is pathogenic, but additional data are needed to prove that conclusively. Therefore, this variant has been classified as Likely Pathogenic.

Literature cited by the submitters: PubMed 16199547; PubMed 24995870; PubMed 26384929.

NM_177550.5(SLC13A5):c.839+1G>A

Gene: SLC13A5 (solute carrier family 13 member 5; minus strand). Cytogenetic location: 17p13.1.
Variant type: single nucleotide variant.
Coding change: c.839+1G>A on transcript NM_177550.5 (MANE Select); the canonical splice donor site of the intron after coding-DNA position 839, G replaced by A.
Molecular consequence: splice donor variant.
Genome position (GRCh38, 1-based): chr17:6,701,003, C>T on the plus strand (G>A on the coding strand, the complement: SLC13A5 is on the minus strand). VCF-style: chr17-6701003-C-T. GRCh37 (hg19) VCF-style: chr17-6604322-C-T.
Other names: c.710+1G>A (NM_001284510.2); c.788+1G>A (NM_001284509.2); c.839+1G>A (NM_001143838.3).
Identifiers: ClinVar variation 838825 (VCV000838825.8), dbSNP rs1973697345, ClinGen allele CA397746730.